The following is an entry in ClinVar:

ClinVar aggregate classification (germline): Benign/Likely benign. Review status: criteria provided, multiple submitters, no conflicts (2 of 4 stars). 7 submissions from 7 submitters: Benign (3); Likely benign (3). 1 of the submissions does not count toward it. Last evaluated 2026-04-13.

Conditions:
Muscular dystrophy-dystroglycanopathy (congenital with brain and eye anomalies), type A2. Also called: WALKER-WARBURG SYNDROME OR MUSCLE-EYE-BRAIN DISEASE, POMT2-RELATED; MUSCULAR DYSTROPHY-DYSTROGLYCANOPATHY (CONGENITAL WITH BRAIN AND EYE ANOMALIES), TYPE A, 2. Identifiers: Orphanet 588, Orphanet 899, MedGen C3150411, MONDO:0013154, OMIM 613150.
Muscular dystrophy-dystroglycanopathy (congenital with impaired intellectual development), type B, 2. Also called: Muscular dystrophy-dystroglycanopathy (congenital with intellectual disability), type B2; MUSCULAR DYSTROPHY, CONGENITAL, POMT2-RELATED. Identifiers: MedGen C3150416, MONDO:0013160, OMIM 613156.
Autosomal recessive limb-girdle muscular dystrophy type 2N. Also called: MUSCULAR DYSTROPHY-DYSTROGLYCANOPATHY, LIMB-GIRDLE, POMT2-RELATED; Muscular dystrophy-dystroglycanopathy (limb-girdle), type C, 2. Identifiers: Orphanet 206559, MedGen C3150418, MONDO:0013162, OMIM 613158.
POMT2-related disorder. Also called: POMT2-related condition.

Allele frequency attached by ClinVar (database versions not stated): gnomAD 0.00096 and 0.00102; 1000 Genomes Project 30x 0.00156; ESP Exome Variant Server 0.00100; TOPMed 0.00122; 1000 Genomes Project 0.00140.
gnomAD v4.1: 379 of 1,612,688 alleles (0.024%); highest among the groups gnomAD compares: African/African-American, 0.37%; 4 homozygotes.

Submissions (7):

Women's Health and Genetics/Laboratory Corporation of America, LabCorp
Classification: Benign. Last evaluated: 2026-04-13. Review status: criteria provided, single submitter. Criteria: LabCorp Variant Classification Summary - May 2015. Collection method: clinical testing. Allele origin: germline.
Comment: Variant summary: POMT2 c.1593G>A alters a conserved nucleotide resulting in a synonymous change. Consensus agreement among computation tools predict no significant impact on normal splicing. However, these predictions have yet to be confirmed by functional studies. The variant allele was found at a frequency of 0.00033 in 251476 control chromosomes, predominantly at a frequency of 0.0036 within the African or African-American subpopulation in the gnomAD database, including 1 homozygotes. The observed variant frequency within African or African-American control individuals in the gnomAD database exceeds the estimated maximal expected allele frequency for disease-causing variants in POMT2. To our knowledge, no occurrence of c.1593G>A in individuals affected with POMT2-related conditions and no experimental evidence demonstrating its impact on protein function have been reported. ClinVar contains an entry for this variant (Variation ID: 289118). Based on the evidence outlined above, the variant was classified as benign.

Labcorp Genetics (formerly Invitae), Labcorp
Classification: Benign for Muscular dystrophy-dystroglycanopathy (congenital with impaired intellectual development), type B, 2; Muscular dystrophy-dystroglycanopathy (congenital with brain and eye anomalies), type A2; Autosomal recessive limb-girdle muscular dystrophy type 2N. Last evaluated: 2026-01-28. Review status: criteria provided, single submitter. Criteria: Invitae Variant Classification Sherloc (09022015). Collection method: clinical testing. Allele origin: germline.

Blueprint Genetics
Classification: Likely benign. Last evaluated: 2024-11-11. Review status: criteria provided, single submitter. Criteria: ACMG Guidelines, 2015. Collection method: clinical testing. Allele origin: germline.

Athena Diagnostics
Classification: Benign. Last evaluated: 2024-07-30. Review status: criteria provided, single submitter. Criteria: Athena Diagnostics Criteria. Collection method: clinical testing. Allele origin: unknown.

GeneDx
Classification: Likely benign. Last evaluated: 2020-03-11. Review status: criteria provided, single submitter. Criteria: GeneDx Variant Classification (06012015). Collection method: clinical testing. Allele origin: germline. Affected: yes.

Eurofins Ntd Llc (ga)
Classification: Likely benign. Last evaluated: 2016-07-26. Review status: criteria provided, single submitter. Criteria: EGL Classification Definitions 2015. Collection method: clinical testing. Allele origin: germline. Observed: 4 variant alleles, 4 heterozygotes.

PreventionGenetics, part of Exact Sciences
Classification: Likely benign for POMT2-related condition. Last evaluated: 2022-08-10. Review status: no assertion criteria provided. Collection method: clinical testing. Allele origin: germline. Not counted in ClinVar's aggregate classification.
Comment: This variant is classified as likely benign based on ACMG/AMP sequence variant interpretation guidelines (Richards et al. 2015 PMID: 25741868, with internal and published modifications).

NM_013382.7(POMT2):c.1593G>A (p.Leu531=)

Gene: POMT2 (protein O-mannosyltransferase 2; minus strand). Cytogenetic location: 14q24.3.
Variant type: single nucleotide variant.
Coding change: c.1593G>A on transcript NM_013382.7 (MANE Select); coding-DNA position 1593, G replaced by A.
Protein change: p.Leu531=; no amino-acid change (leucine 531 retained).
Molecular consequence: synonymous variant.
Genome position (GRCh38, 1-based): chr14:77,283,857, C>T on the plus strand (G>A on the coding strand, the complement: POMT2 is on the minus strand). VCF-style: chr14-77283857-C-T. GRCh37 (hg19) VCF-style: chr14-77750200-C-T.
Identifiers: ClinVar variation 289118 (VCV000289118.26), dbSNP rs147934334, ClinGen allele CA7285797.
Genomic context (GRCh38, chr14:77,283,857, plus strand): 5'-CCGGATCATGACCATGTGGGATTCCAGCAAGATCTCAGGAAAACTGGGCTGTAGCACATC[C>T]AGGCTGATGTTTGGCACTAGGGGAAAAAAATGCAGGAGAAAAGCCTTTGTCATACATTCT-3'
Protein context (NP_037514.2, residues 521-541): HINPKLPNIS[Leu531=]DVLQPSFPEI